The following is an entry in ClinVar:

NM_001127511.3(APC):c.141T>C (p.Ser47=)

Gene: APC (APC regulator of Wnt signaling pathway; plus strand). Cytogenetic location: 5q22.2.
Variant type: single nucleotide variant.
Coding change: c.141T>C on transcript NM_001127511.3; coding-DNA position 141, T replaced by C.
Protein change: p.Ser47=; no amino-acid change (serine 47 retained).
Molecular consequence: synonymous variant. On other transcripts: 5 prime UTR variant (8), non-coding transcript variant (1), intron variant (5).
Genome position (GRCh38, 1-based): chr5:112,707,858, T>C. VCF-style: chr5-112707858-T-C. GRCh37 (hg19) VCF-style: chr5-112043555-T-C.
Other names: c.-43T>C (NM_001354895.2, NM_001407447.1, NM_001407452.1 and 3 more transcripts); c.141T>C, p.Ser47= (NM_001354897.2, NM_001354902.2, NM_001407446.1); c.-1078T>C (NM_001407470.1, NM_001407472.1); c.-19+209T>C (NM_001407448.1, NM_001407450.1, NM_001407457.1 and 1 more transcripts); c.-43+209T>C (NM_001407453.1).
Identifiers: ClinVar variation 2713252 (VCV002713252.3), dbSNP rs753577385, ClinGen allele CA054295.

ClinVar aggregate classification (germline): Uncertain significance (1 of 4 stars; one submission).

Conditions:
Familial adenomatous polyposis 1 (FAP1). Also called: FAMILIAL ADENOMATOUS POLYPOSIS 1, ATTENUATED; POLYPOSIS, ADENOMATOUS INTESTINAL. Identifiers: MedGen C2713442, MONDO:0021056, OMIM 175100. Disease mechanism: loss of function.

Allele frequency attached by ClinVar (database versions not stated): gnomAD exomes below 0.00001; ExAC 0.00008.
gnomAD v4.1: 2 of 1,369,852 alleles (0.00015%); highest among the groups gnomAD compares: Non-Finnish European, 0.00019%; no homozygotes.

Submission:

Labcorp Genetics (formerly Invitae), Labcorp
Classification: Uncertain significance for Familial adenomatous polyposis 1. Last evaluated: 2025-09-24. Review status: criteria provided, single submitter. Criteria: Invitae Variant Classification Sherloc (09022015). Collection method: clinical testing. Allele origin: germline.
Comment: This variant occurs in a non-coding region of the APC gene. It does not change the encoded amino acid sequence of the APC protein. This variant is not present in population databases (gnomAD no frequency). This variant has not been reported in the literature in individuals affected with APC-related conditions. Experimental studies and prediction algorithms are not available or were not evaluated, and the functional significance of this variant is currently unknown. In summary, the available evidence is currently insufficient to determine the role of this variant in disease. Therefore, it has been classified as a Variant of Uncertain Significance.